The following is an entry in ClinVar:

NM_013339.4(ALG6):c.604A>G (p.Met202Val)

Gene: ALG6 (ALG6 alpha-1,3-glucosyltransferase; plus strand). Cytogenetic location: 1p31.3.
Variant type: single nucleotide variant.
Coding change: c.604A>G on transcript NM_013339.4 (MANE Select); coding-DNA position 604, A replaced by G.
Protein change: p.Met202Val; replaces methionine 202 with valine.
Molecular consequence: missense variant.
Genome position (GRCh38, 1-based): chr1:63,411,255, A>G. VCF-style: chr1-63411255-A-G. GRCh37 (hg19) VCF-style: chr1-63876926-A-G.
Other names: short protein forms M202V.
Identifiers: ClinVar variation 2193051 (VCV002193051.3), dbSNP rs757012140, ClinGen allele CA888207.

ClinVar aggregate classification (germline): Uncertain significance (1 of 4 stars; one submission).

Conditions:
ALG6-congenital disorder of glycosylation 1C (CDG1C). Also called: CDG Ic; CARBOHYDRATE-DEFICIENT GLYCOPROTEIN SYNDROME, TYPE I, WITH DEFICIENT GLYCOSYLATION OF DOLICHOL-LINKED OLIGOSACCHARIDE; CARBOHYDRATE-DEFICIENT GLYCOPROTEIN SYNDROME, TYPE V; Congenital disorder of glycosylation type 1C; Congenital disorder of glycosylation, type Ic. Identifiers: Orphanet 79320, MedGen C2930997, MONDO:0011291, OMIM 603147.

Allele frequency attached by ClinVar (database versions not stated): TOPMed below 0.00001.
gnomAD v4.1: 8 of 1,613,884 alleles (0.0005%); highest among the groups gnomAD compares: South Asian, 0.0011%; no homozygotes.

Submission:

Labcorp Genetics (formerly Invitae), Labcorp
Classification: Uncertain significance for ALG6-congenital disorder of glycosylation 1C. Last evaluated: 2024-02-24. Review status: criteria provided, single submitter. Criteria: Invitae Variant Classification Sherloc (09022015). Collection method: clinical testing. Allele origin: germline.
Comment: This sequence change replaces methionine, which is neutral and non-polar, with valine, which is neutral and non-polar, at codon 202 of the ALG6 protein (p.Met202Val). This variant is present in population databases (rs757012140, gnomAD 0.003%). This variant has not been reported in the literature in individuals affected with ALG6-related conditions. ClinVar contains an entry for this variant (Variation ID: 2193051). Advanced modeling of protein sequence and biophysical properties (such as structural, functional, and spatial information, amino acid conservation, physicochemical variation, residue mobility, and thermodynamic stability) performed at Invitae indicates that this missense variant is expected to disrupt ALG6 protein function with a positive predictive value of 80%. In summary, the available evidence is currently insufficient to determine the role of this variant in disease. Therefore, it has been classified as a Variant of Uncertain Significance.